The following is an entry in ClinVar:

NM_001164508.2(NEB):c.5767C>G (p.Gln1923Glu)

Gene: NEB (nebulin; minus strand). Cytogenetic location: 2q23.3.
Variant type: single nucleotide variant.
Coding change: c.5767C>G on transcript NM_001164508.2 (MANE Select); coding-DNA position 5767, C replaced by G.
Protein change: p.Gln1923Glu; replaces glutamine 1923 with glutamic acid.
Molecular consequence: missense variant.
Genome position (GRCh38, 1-based): chr2:151,662,338, G>C on the plus strand (C>G on the coding strand, the complement: NEB is on the minus strand). VCF-style: chr2-151662338-G-C. GRCh37 (hg19) VCF-style: chr2-152518852-G-C.
Other names: c.5767C>G, p.Gln1923Glu (NM_001164507.2, NM_001271208.2, NM_004543.5); c.5767C>G (NM_004543.4); short protein forms Q1923E.
Identifiers: ClinVar variation 1396959 (VCV001396959.6), dbSNP rs2154169026, ClinGen allele CA348806843.

ClinVar aggregate classification (germline): Uncertain significance. Review status: criteria provided, multiple submitters, no conflicts (2 of 4 stars). 2 submissions from 2 submitters: Uncertain significance (2). Last evaluated 2023-06-02.

Conditions:
Nemaline myopathy 2 (NEM2). Also called: Nemaline myopathy 2, autosomal recessive. Identifiers: MedGen C1850569, MONDO:0009725, OMIM 256030.
Inborn genetic diseases. Identifiers: MedGen C0950123, MeSH D030342.

Submissions (2):

Ambry Genetics
Classification: Uncertain significance for Inborn genetic diseases. Last evaluated: 2023-06-02. Review status: criteria provided, single submitter. Criteria: Ambry Variant Classification Scheme 2023. Collection method: clinical testing. Allele origin: germline.

Labcorp Genetics (formerly Invitae), Labcorp
Classification: Uncertain significance for Nemaline myopathy 2. Last evaluated: 2022-08-01. Review status: criteria provided, single submitter. Criteria: Invitae Variant Classification Sherloc (09022015). Collection method: clinical testing. Allele origin: germline.
Comment: This sequence change replaces glutamine, which is neutral and polar, with glutamic acid, which is acidic and polar, at codon 1923 of the NEB protein (p.Gln1923Glu). This variant is not present in population databases (gnomAD no frequency). This variant has not been reported in the literature in individuals affected with NEB-related conditions. ClinVar contains an entry for this variant (Variation ID: 1396959). Algorithms developed to predict the effect of missense changes on protein structure and function output the following: SIFT: "Deleterious"; PolyPhen-2: "Not Available"; Align-GVGD: "Class C0". The glutamic acid amino acid residue is found in multiple mammalian species, which suggests that this missense change does not adversely affect protein function. In summary, the available evidence is currently insufficient to determine the role of this variant in disease. Therefore, it has been classified as a Variant of Uncertain Significance.